The following is an entry in ClinVar:

NM_001042492.3(NF1):c.1936G>C (p.Asp646His)

Gene: NF1 (neurofibromin 1; plus strand). Cytogenetic location: 17q11.2.
Variant type: single nucleotide variant.
Coding change: c.1936G>C on transcript NM_001042492.3 (MANE Select); coding-DNA position 1936, G replaced by C.
Protein change: p.Asp646His; replaces aspartic acid 646 with histidine.
Molecular consequence: missense variant.
Genome position (GRCh38, 1-based): chr17:31,225,185, G>C. VCF-style: chr17-31225185-G-C. GRCh37 (hg19) VCF-style: chr17-29552203-G-C.
Other names: c.1936G>C, p.Asp646His (NM_000267.4); short protein forms D646H.
Identifiers: ClinVar variation 1374160 (VCV001374160.6), dbSNP rs142079728, ClinGen allele CA399005411.

ClinVar aggregate classification (germline): Uncertain significance (1 of 4 stars; one submission).

Conditions:
Neurofibromatosis, type 1 (NF1). Also called: Peripheral type neurofibromatosis; Neurofibromatosis, type I; NEUROFIBROMATOSIS, TYPE I, SOMATIC; VON RECKLINGHAUSEN DISEASE. Identifiers: Orphanet 636, MedGen C0027831, MONDO:0018975, OMIM 162200. Disease mechanism: loss of function.

Submission:

Labcorp Genetics (formerly Invitae), Labcorp
Classification: Uncertain significance for Neurofibromatosis, type 1. Last evaluated: 2022-03-04. Review status: criteria provided, single submitter. Criteria: Invitae Variant Classification Sherloc (09022015). Collection method: clinical testing. Allele origin: germline.
Comment: This sequence change replaces aspartic acid, which is acidic and polar, with histidine, which is basic and polar, at codon 646 of the NF1 protein (p.Asp646His). This variant is not present in population databases (gnomAD no frequency). This variant has not been reported in the literature in individuals affected with NF1-related conditions. Algorithms developed to predict the effect of missense changes on protein structure and function (SIFT, PolyPhen-2, Align-GVGD) all suggest that this variant is likely to be tolerated. In summary, the available evidence is currently insufficient to determine the role of this variant in disease. Therefore, it has been classified as a Variant of Uncertain Significance.